The following is an entry in ClinVar:

ClinVar aggregate classification (germline): Likely benign. Review status: criteria provided, single submitter (1 of 4 stars). 2 submissions from 2 submitters: Likely benign (1). 1 of the submissions does not count toward it. Last evaluated 2025-09-02.

Conditions:
PCNT-related disorder. Also called: PCNT-related condition.

Allele frequency attached by ClinVar (database versions not stated): gnomAD exomes 0.00003 and 0.00012; TOPMed 0.00004; gnomAD 0.00005 and 0.00008; ExAC 0.00008; 1000 Genomes Project 30x 0.00047; 1000 Genomes Project 0.00060.
gnomAD v4.1: 52 of 1,614,116 alleles (0.0032%); highest among the groups gnomAD compares: East Asian, 0.11%; no homozygotes.

Submissions (2):

Labcorp Genetics (formerly Invitae), Labcorp
Classification: Likely benign. Last evaluated: 2025-09-02. Review status: criteria provided, single submitter. Criteria: Invitae Variant Classification Sherloc (09022015). Collection method: clinical testing. Allele origin: germline.

PreventionGenetics, part of Exact Sciences
Classification: Likely benign for PCNT-related condition. Last evaluated: 2024-09-13. Review status: no assertion criteria provided. Collection method: clinical testing. Allele origin: germline. Not counted in ClinVar's aggregate classification.
Comment: This variant is classified as likely benign based on ACMG/AMP sequence variant interpretation guidelines (Richards et al. 2015 PMID: 25741868, with internal and published modifications).

NM_006031.6(PCNT):c.2040A>G (p.Gln680=)

Gene: PCNT (pericentrin; plus strand). Cytogenetic location: 21q22.3.
Variant type: single nucleotide variant.
Coding change: c.2040A>G on transcript NM_006031.6 (MANE Select); coding-DNA position 2040, A replaced by G.
Protein change: p.Gln680=; no amino-acid change (glutamine 680 retained).
Molecular consequence: synonymous variant.
Genome position (GRCh38, 1-based): chr21:46,357,077, A>G. VCF-style: chr21-46357077-A-G. GRCh37 (hg19) VCF-style: chr21-47776992-A-G.
Other names: c.1686A>G, p.Gln562= (NM_001315529.2); c.2040A>G (NM_006031.5).
Identifiers: ClinVar variation 1534123 (VCV001534123.9), dbSNP rs541212970, ClinGen allele CA10078864.